The following is an entry in ClinVar:

NM_024301.5(FKRP):c.966_982dup (p.Tyr328fs)

Gene: FKRP (fukutin related protein; plus strand). Cytogenetic location: 19q13.32.
Variant type: Duplication.
Coding change: c.966_982dup on transcript NM_024301.5 (MANE Select); coding-DNA positions 966 to 982, 17 bases duplicated (GCGCGAGACCGCCCGCT).
Protein change: p.Tyr328fs; shifts the reading frame from tyrosine 328.
Molecular consequence: frameshift variant.
Genome position (GRCh38, 1-based): chr19:46,756,416-46,756,432, GCGCGAGACCGCCCGCT duplicated; duplicating any 17 consecutive bases within chr19:46,756,412-46,756,432 gives the same sequence; the c. name uses the placement nearest the transcript's 3' end. VCF-style (leftmost placement, unchanged base first): chr19-46756411-G-GCGCTGCGCGAGACCGCC. GRCh37 (hg19) VCF-style: chr19-47259668-G-GCGCTGCGCGAGACCGCC.
Other names: c.966_982dup, p.Tyr328fs (NM_001039885.3); short protein forms Y328fs.
Identifiers: ClinVar variation 5004158 (VCV005004158.1).

ClinVar aggregate classification (germline): Pathogenic (1 of 4 stars; one submission).

Conditions:
Myopathy caused by variation in FKRP. Identifiers: MedGen CN305637, MONDO:0700066.

Submission:

Myriad Genetics, Inc.
Classification: Pathogenic for Myopathy caused by variation in FKRP. Last evaluated: 2025-09-09. Review status: criteria provided, single submitter. Criteria: Myriad Autosomal Dominant, Autosomal Recessive and X-Linked Classification Criteria (2023). Collection method: clinical testing. Allele origin: unknown.
Comment: NM_024301.4(FKRP):c.966_982dup17(Y328Cfs*106) is a frameshift variant classified as pathogenic in the context of FKRP-related disorders. Y328Cfs*106 has not been observed in cases with relevant disease. Relevant functional assessments of this variant are not available in the literature. Y328Cfs*106 has not been observed in referenced population frequency databases. In summary, NM_024301.4(FKRP):c.966_982dup17(Y328Cfs*106) is a frameshift variant in a gene where loss of function is a known mechanism of disease and is predicted to disrupt protein function. Please note: this variant was assessed in the context of healthy population screening.